The following is an entry in ClinVar:

NM_001035.3(RYR2):c.774-14G>T

Gene: RYR2 (ryanodine receptor 2; plus strand). Cytogenetic location: 1q43.
Variant type: single nucleotide variant.
Coding change: c.774-14G>T on transcript NM_001035.3 (MANE Select); 14 bases into the intron before coding-DNA position 774, G replaced by T.
Molecular consequence: intron variant.
Genome position (GRCh38, 1-based): chr1:237,417,035, G>T. VCF-style: chr1-237417035-G-T. GRCh37 (hg19) VCF-style: chr1-237580335-G-T.
Identifiers: ClinVar variation 504535 (VCV000504535.25), dbSNP rs370114411, ClinGen allele CA087479.

ClinVar aggregate classification (germline): Conflicting classifications of pathogenicity. Review status: criteria provided, conflicting classifications (1 of 4 stars). 7 submissions from 7 submitters: Uncertain significance (1); Benign (1); Likely benign (5). Last evaluated 2026-01-29.

Conditions:
Catecholaminergic polymorphic ventricular tachycardia (CVPT). Also called: Catecholamine-induced polymorphic ventricular tachycardia. Identifiers: Orphanet 3286, MedGen C5574922, MONDO:0017990.
Catecholaminergic polymorphic ventricular tachycardia 1. Also called: RYR2-Related Catecholaminergic Polymorphic Ventricular Tachycardia; VENTRICULAR TACHYCARDIA, STRESS-INDUCED POLYMORPHIC 1; VENTRICULAR TACHYCARDIA, CATECHOLAMINERGIC POLYMORPHIC, 1, WITH OR WITHOUT ATRIAL DYSFUNCTION AND/OR DILATED CARDIOMYOPATHY. Identifiers: Orphanet 3286, MedGen C1631597, MONDO:0011484, OMIM 604772.
Cardiomyopathy (CMYO). Also called: Cardiomyopathies. Identifiers: Orphanet 167848, MedGen C0878544, MONDO:0004994, HP:0001638. Inheritance: Various modes of inheritance.

Allele frequency attached by ClinVar (database versions not stated): ExAC 0.00005; gnomAD exomes 0.00007; 1000 Genomes Project 30x 0.00016; ESP Exome Variant Server 0.00017; 1000 Genomes Project 0.00020; gnomAD 0.00027 and 0.00031; TOPMed 0.00028.
gnomAD v4.1: 84 of 1,612,906 alleles (0.0052%); highest among the groups gnomAD compares: African/African-American, 0.11%; no homozygotes.

Submissions (7):

Labcorp Genetics (formerly Invitae), Labcorp
Classification: Benign for Catecholaminergic polymorphic ventricular tachycardia 1. Last evaluated: 2026-01-29. Review status: criteria provided, single submitter. Criteria: Invitae Variant Classification Sherloc (09022015). Collection method: clinical testing. Allele origin: germline.

All of Us Research Program, National Institutes of Health
Classification: Likely benign for Catecholaminergic polymorphic ventricular tachycardia. Last evaluated: 2024-01-11. Review status: criteria provided, single submitter. Criteria: ACMG Guidelines, 2015. Collection method: clinical testing. Allele origin: germline. Inheritance: Autosomal dominant inheritance. Observed: 16 variant alleles, 16 heterozygotes.
Comment: This study involves interpretation of variants in research participants for the purpose of population health screening. Participant phenotype was not available at the time of variant classification. Additional details can be found in publication PMID: 35346344, PMCID: PMC8962531

Blueprint Genetics
Classification: Likely benign. Last evaluated: 2023-04-03. Review status: criteria provided, single submitter. Criteria: ACMG Guidelines, 2015. Collection method: clinical testing. Allele origin: germline.

ARUP Laboratories, Molecular Genetics and Genomics, ARUP Laboratories
Classification: Likely benign. Last evaluated: 2020-03-18. Review status: criteria provided, single submitter. Criteria: ARUP Molecular Germline Variant Investigation Process. Collection method: clinical testing. Allele origin: germline.

Color Diagnostics, LLC DBA Color Health
Classification: Likely benign for Cardiomyopathy. Last evaluated: 2018-12-18. Review status: criteria provided, single submitter. Criteria: ACMG Guidelines, 2015. Collection method: clinical testing. Allele origin: germline.

GeneDx
Classification: Likely benign. Last evaluated: 2018-05-25. Review status: criteria provided, single submitter. Criteria: GeneDx Variant Classification (06012015). Collection method: clinical testing. Allele origin: germline. Affected: yes.
Comment: This variant is considered likely benign or benign based on one or more of the following criteria: it is a conservative change, it occurs at a poorly conserved position in the protein, it is predicted to be benign by multiple in silico algorithms, and/or has population frequency not consistent with disease.

Laboratory for Molecular Medicine, Mass General Brigham Personalized Medicine
Classification: Uncertain significance. Last evaluated: 2016-08-23. Review status: criteria provided, single submitter. Criteria: LMM Criteria. Collection method: clinical testing. Allele origin: germline. Observed: 1 variant allele.
Comment: The c.774-14G>T variant in RYR2 has not been previously reported in individuals with cardiomyopathy but has been identified in 6/9594 African chromosomes by th e Exome Aggregation Consortium (ExAC; dbSNP rs37 0114411). This variant is located in the 3' splice region. Computational tools p redict some impact to splicing. However, this information is not predictive enou gh to determine pathogenicity. In summary, the clinical significance of the c.77 4-14G>T variant is uncertain.